The following is an entry in ClinVar:

ClinVar aggregate classification (germline): Uncertain significance. Review status: criteria provided, multiple submitters, no conflicts (2 of 4 stars). 2 submissions from 2 submitters: Uncertain significance (2). Last evaluated 2025-07-25.

Conditions:
Kabuki syndrome 2 (KABUK2). Also called: KDM6A-Related Kabuki Syndrome. Identifiers: Orphanet 2322, MedGen C3275495, MONDO:0010465, OMIM 300867.

Allele frequency attached by ClinVar (database versions not stated): TOPMed 0.00001.

Submissions (2):

GeneDx
Classification: Uncertain significance. Last evaluated: 2025-07-25. Review status: criteria provided, single submitter. Criteria: GeneDx Variant Classification Process June 2021. Collection method: clinical testing. Allele origin: germline. Affected: yes.
Comment: Not observed at significant frequency in large population cohorts (gnomAD); In silico analysis supports that this missense variant has a deleterious effect on protein structure/function; Has not been previously published as pathogenic or benign to our knowledge

Labcorp Genetics (formerly Invitae), Labcorp
Classification: Uncertain significance for Kabuki syndrome 2. Last evaluated: 2023-10-13. Review status: criteria provided, single submitter. Criteria: Invitae Variant Classification Sherloc (09022015). Collection method: clinical testing. Allele origin: germline.
Comment: This sequence change replaces alanine, which is neutral and non-polar, with proline, which is neutral and non-polar, at codon 1108 of the KDM6A protein (p.Ala1108Pro). This variant is not present in population databases (gnomAD no frequency). This variant has not been reported in the literature in individuals affected with KDM6A-related conditions. ClinVar contains an entry for this variant (Variation ID: 2446546). Advanced modeling of protein sequence and biophysical properties (such as structural, functional, and spatial information, amino acid conservation, physicochemical variation, residue mobility, and thermodynamic stability) has been performed at Invitae for this missense variant, however the output from this modeling did not meet the statistical confidence thresholds required to predict the impact of this variant on KDM6A protein function. In summary, the available evidence is currently insufficient to determine the role of this variant in disease. Therefore, it has been classified as a Variant of Uncertain Significance.

NM_001291415.2(KDM6A):c.3478G>C (p.Ala1160Pro)

Gene: KDM6A (lysine demethylase 6A; plus strand). Cytogenetic location: Xp11.3.
Variant type: single nucleotide variant.
Coding change: c.3478G>C on transcript NM_001291415.2 (MANE Select); coding-DNA position 3478, G replaced by C.
Protein change: p.Ala1160Pro; replaces alanine 1160 with proline.
Molecular consequence: missense variant. On other transcripts: non-coding transcript variant (1).
Genome position (GRCh38, 1-based): chrX:45,083,497, G>C. VCF-style: chrX-45083497-G-C. GRCh37 (hg19) VCF-style: chrX-44942742-G-C.
Other names: c.3343G>C, p.Ala1115Pro (NM_001291416.2); c.3187G>C, p.Ala1063Pro (NM_001291417.2); c.3085G>C, p.Ala1029Pro (NM_001291418.2); c.2434G>C, p.Ala812Pro (NM_001291421.2); c.3220G>C, p.Ala1074Pro (NM_001410742.1); c.3322G>C, p.Ala1108Pro (NM_021140.4); short protein forms A1029P, A1063P, A1074P, A1108P, A1115P, A1160P, A812P.
Identifiers: ClinVar variation 2446546 (VCV002446546.5), dbSNP rs2045511008, ClinGen allele CA412804409.